The following is an entry in ClinVar:

NM_021625.5(TRPV4):c.1614T>G (p.Pro538=)

Gene: TRPV4 (transient receptor potential cation channel subfamily V member 4; minus strand). Cytogenetic location: 12q24.11.
Variant type: single nucleotide variant.
Coding change: c.1614T>G on transcript NM_021625.5 (MANE Select); coding-DNA position 1614, T replaced by G.
Protein change: p.Pro538=; no amino-acid change (proline 538 retained).
Molecular consequence: synonymous variant.
Genome position (GRCh38, 1-based): chr12:109,793,571, A>C on the plus strand (T>G on the coding strand, the complement: TRPV4 is on the minus strand). VCF-style: chr12-109793571-A-C. GRCh37 (hg19) VCF-style: chr12-110231376-A-C.
Other names: c.1473T>G, p.Pro491= (NM_001177428.2); c.1512T>G, p.Pro504= (NM_001177431.2); c.1293T>G, p.Pro431= (NM_001177433.2); c.1434T>G, p.Pro478= (NM_147204.3).
Identifiers: ClinVar variation 2643284 (VCV002643284.24), dbSNP rs2548728793, ClinGen allele CA481715561.

ClinVar aggregate classification (germline): Likely benign (1 of 4 stars; one submission).

Submission:

CeGaT Center for Human Genetics Tuebingen
Classification: Likely benign. Last evaluated: 2025-10-01. Review status: criteria provided, single submitter. Criteria: CeGaT Center For Human Genetics Tuebingen Variant Classification Criteria Version 2. Collection method: clinical testing. Allele origin: germline. Affected: yes. Observed: 2 variant alleles.
Comment: TRPV4: PM2:Supporting, BP4, BP7